The following is an entry in ClinVar:

NM_007194.4(CHEK2):c.451G>T (p.Gly151Cys)

Gene: CHEK2 (checkpoint kinase 2; minus strand). Cytogenetic location: 22q12.1.
Variant type: single nucleotide variant.
Coding change: c.451G>T on transcript NM_007194.4 (MANE Select); coding-DNA position 451, G replaced by T.
Protein change: p.Gly151Cys; replaces glycine 151 with cysteine.
Molecular consequence: missense variant. On other transcripts: 5 prime UTR variant (2), intron variant (1).
Genome position (GRCh38, 1-based): chr22:28,725,118, C>A on the plus strand (G>T on the coding strand, the complement: CHEK2 is on the minus strand). VCF-style: chr22-28725118-C-A. GRCh37 (hg19) VCF-style: chr22-29121106-C-A.
Other names: p.G151C:GGT>TGT; c.580G>T, p.Gly194Cys (NM_001005735.3, NM_001438294.1); c.-327G>T (NM_001257387.3); c.-213G>T (NM_001437942.1); c.544G>T, p.Gly182Cys (NM_001438293.1, NM_001438295.1); c.451G>T, p.Gly151Cys (NM_145862.3); c.444+125G>T (NM_001349956.3); short protein forms G151C, G194C, G182C.
Identifiers: ClinVar variation 140928 (VCV000140928.29), dbSNP rs587781377, ClinGen allele CA294005.

ClinVar aggregate classification (germline): Uncertain significance. Review status: criteria provided, multiple submitters, no conflicts (2 of 4 stars). 9 submissions from 9 submitters: Uncertain significance (9). Last evaluated 2025-12-24.

Conditions:
Breast and/or ovarian cancer. Identifiers: MedGen CN221562.
Hereditary cancer-predisposing syndrome. Also called: Neoplastic Syndromes, Hereditary; Tumor predisposition; Hereditary Cancer Syndrome; Hereditary neoplastic syndrome. Identifiers: Orphanet 140162, MedGen C0027672, MeSH D009386, MONDO:0015356.
Familial cancer of breast. Also called: BREAST CANCER, FAMILIAL; Hereditary breast cancer; hereditary breast carcinoma. Identifiers: Orphanet 227535, MedGen C0346153, MONDO:0016419, OMIM 114480. Disease mechanism: loss of function.

Allele frequency attached by ClinVar (database versions not stated): gnomAD exomes below 0.00001; ExAC 0.00001; gnomAD 0.00001.
gnomAD v4.1: 1 of 1,613,862 alleles (0.000062%); highest among the groups gnomAD compares: Middle Eastern, 0.016%; no homozygotes.

Submissions (9):

Labcorp Genetics (formerly Invitae), Labcorp
Classification: Uncertain significance for Familial cancer of breast. Last evaluated: 2025-12-24. Review status: criteria provided, single submitter. Criteria: Invitae Variant Classification Sherloc (09022015). Collection method: clinical testing. Allele origin: germline.
Comment: This sequence change replaces glycine, which is neutral and non-polar, with cysteine, which is neutral and slightly polar, at codon 151 of the CHEK2 protein (p.Gly151Cys). This variant is present in population databases (rs587781377, gnomAD no frequency). This missense change has been observed in individual(s) with breast cancer (PMID: 32658311). ClinVar contains an entry for this variant (Variation ID: 140928). An algorithm developed to predict the effect of missense changes on protein structure and function (PolyPhen-2) suggests that this variant is likely to be tolerated. Experimental studies have shown that this missense change does not substantially affect CHEK2 function (PMID: 30851065). In summary, the available evidence is currently insufficient to determine the role of this variant in disease. Therefore, it has been classified as a Variant of Uncertain Significance.

Ambry Genetics
Classification: Uncertain significance for Hereditary cancer-predisposing syndrome. Last evaluated: 2025-03-25. Review status: criteria provided, single submitter. Criteria: Ambry Variant Classification Scheme 2023. Collection method: clinical testing. Allele origin: germline.
Comment: The p.G151C variant (also known as c.451G>T), located in coding exon 3 of the CHEK2 gene, results from a G to T substitution at nucleotide position 451. The glycine at codon 151 is replaced by cysteine, an amino acid with highly dissimilar properties. This alteration behaved as functional in an in vivo, yeast-based growth rate assay (Delimitsou A et al. Hum Mutat, 2019 May;40:631-648). This variant was reported as functional in a study assessing CHEK2-complementation through quantification of KAP1 phosphorylation and CHK2 autophosphorylation in human RPE1-CHEK2-knockout cells (Stolarova L et al. Clin Cancer Res, 2023 Aug;29:3037-3050). This alteration was seen in 1/732 breast cancer patients, 0/189 colorectal cancer patients and 0/490 cancer-free elderly controls in a Turkish population (Akcay IM et al. Int J Cancer, 2021 Jan;148:285-295). This amino acid position is highly conserved in available vertebrate species. In addition, this alteration is predicted to be deleterious by in silico analysis. Based on the available evidence, the clinical significance of this variant remains unclear.

Baylor Genetics
Classification: Uncertain significance for Familial cancer of breast. Last evaluated: 2023-12-22. Review status: criteria provided, single submitter. Criteria: ACMG Guidelines, 2015. Collection method: clinical testing. Allele origin: unknown.

KCCC/NGS Laboratory, Kuwait Cancer Control Center
Classification: Uncertain significance for Familial cancer of breast. Last evaluated: 2023-07-07. Review status: criteria provided, single submitter. Criteria: ACMG Guidelines, 2015. Collection method: clinical testing. Allele origin: unknown. Affected: yes.
Comment: This sequence change replaces glycine with cysteine at codon 151 of the CHEK2 protein (p.Gly151Cys). This variant has not been reported in the literature in individuals with a CHEK2-related disease. ClinVar contains an entry for this variant (Variation ID: 140928) with 4 submissions, all of which describe this variant as of uncertain significance. Pathogenic computational verdict based on 10 pathogenic predictions from BayesDel_addAF, DANN, DEOGEN2, FATHMM-MKL, LIST-S2, M-CAP, MVP, MutationAssessor, MutationTaster and SIFT vs 2 benign predictions from EIGEN and PrimateAI and the glycine residue is highly conserved. In summary, this variant has uncertain impact on CHEK2 function. The available evidence is currently insufficient to determine its role in disease. Therefore, it has been classified as a Variant of Uncertain Significance.

Quest Diagnostics Nichols Institute San Juan Capistrano
Classification: Uncertain significance. Last evaluated: 2023-04-07. Review status: criteria provided, single submitter. Criteria: Quest Diagnostics criteria. Collection method: clinical testing. Allele origin: unknown.
Comment: The frequency of this variant in the general population, 0.000004 (1/251322 chromosomes), is uninformative in assessment of its pathogenicity. In the published literature, the variant has been reported in an individual with breast cancer (PMID: 32658311 (2021)), as well as in the somatic state in an individual with lung cancer (PMID: 29866652 (2018)). One yeast-based functional assay demonstrated that this variant had a growth rate similar to the positive control, suggesting a non-damaging effect (PMID: 30851065 (2019)). Additional studies are needed to determine the overall impact of this variant on gene and gene product. Analysis of this variant using bioinformatics tools for the prediction of the effect of amino acid changes on protein structure and function yielded conflicting predictions that this variant is deleterious or benign. Based on the available information, we are unable to determine the clinical significance of this variant.

Color Diagnostics, LLC DBA Color Health
Classification: Uncertain significance for Hereditary cancer-predisposing syndrome. Last evaluated: 2022-12-13. Review status: criteria provided, single submitter. Criteria: ACMG Guidelines, 2015. Collection method: clinical testing. Allele origin: germline.
Comment: This missense variant replaces glycine with cysteine at codon 151 of the CHEK2 protein. Computational prediction suggests that this variant may have deleterious impact on protein structure and function (internally defined REVEL score threshold >= 0.7, PMID: 27666373). A functional study has reported the mutant protein to be functional in DNA damage response assay in yeast (PMID: 30851065). This variant has been reported in an individual affected with lung cancer (PMID: 29866652). This variant has been identified in 1/251322 chromosomes in the general population by the Genome Aggregation Database (gnomAD). The available evidence is insufficient to determine the role of this variant in disease conclusively. Therefore, this variant is classified as a Variant of Uncertain Significance.

GeneDx
Classification: Uncertain significance. Last evaluated: 2022-04-29. Review status: criteria provided, single submitter. Criteria: GeneDx Variant Classification Process June 2021. Collection method: clinical testing. Allele origin: germline. Affected: yes.
Comment: Not observed at significant frequency in large population cohorts (gnomAD); In silico analysis supports that this missense variant has a deleterious effect on protein structure/function; Published functional studies demonstrate no damaging effect: growth rate comparable to wild-type in a yeast-based assay (Delimitsou 2019); This variant is associated with the following publications: (PMID: 19782031, 22419737, 30851065)

CHEO Genetics Diagnostic Laboratory, Children's Hospital of Eastern Ontario
Classification: Uncertain significance for Breast and/or ovarian cancer. Last evaluated: 2021-08-11. Review status: criteria provided, single submitter. Criteria: ACMG Guidelines, 2015. Collection method: clinical testing. Allele origin: germline.

Sema4
Classification: Uncertain significance for Hereditary cancer-predisposing syndrome. Last evaluated: 2021-05-06. Review status: criteria provided, single submitter. Criteria: Sema4 Curation Guidelines. Collection method: curation. Allele origin: germline.
Comment: The CHEK2 c.451G>T (p.G151C) has not been reported in individuals with CHEK2-related disease to our knowledge. It was observed in 1/113666 chromosomes in the Non-Finnish European subpopulation in the large and broad cohorts of the Genome Aggregation Database (PMID: 32461654). The variant has been reported in ClinVar (Variation ID: 140928). In silico tools suggest the impact of the variant on protein function is deleterious, though these predictions have not been confirmed by functional studies. The evidence is insufficient to meet ACMG/AMP criteria for classifying the variant as benign or pathogenic. Thus, the clinical significance of this variant is currently uncertain.

Literature cited by the submitters: PubMed 32658311 (cited by 3 submitters); PubMed 30851065 (cited by 4 submitters); PubMed 37449874 (cited by Ambry Genetics); PubMed 29866652 (cited by Quest Diagnostics Nichols Institute San Juan Capistrano and Color Diagnostics, LLC DBA Color Health).